The following is an entry in ClinVar:

ClinVar aggregate classification (germline): Uncertain significance (1 of 4 stars; one submission).

Conditions:
Familial adenomatous polyposis 1 (FAP1). Also called: FAMILIAL ADENOMATOUS POLYPOSIS 1, ATTENUATED; POLYPOSIS, ADENOMATOUS INTESTINAL. Identifiers: MedGen C2713442, MONDO:0021056, OMIM 175100. Disease mechanism: loss of function.

Submission:

Labcorp Genetics (formerly Invitae), Labcorp
Classification: Uncertain significance for Familial adenomatous polyposis 1. Last evaluated: 2019-08-18. Review status: criteria provided, single submitter. Criteria: Invitae Variant Classification Sherloc (09022015). Collection method: clinical testing. Allele origin: germline.
Comment: In summary, the available evidence is currently insufficient to determine the role of this variant in disease. Therefore, it has been classified as a Variant of Uncertain Significance. Algorithms developed to predict the effect of missense changes on protein structure and function are either unavailable or do not agree on the potential impact of this missense change (SIFT: "Tolerated"; PolyPhen-2: "Probably Damaging"; Align-GVGD: "Class C0"). This variant has not been reported in the literature in individuals with APC-related conditions. This variant is not present in population databases (ExAC no frequency). This sequence change replaces glutamine with arginine at codon 12 of the APC protein (p.Gln12Arg). The glutamine residue is highly conserved and there is a small physicochemical difference between glutamine and arginine.

NM_000038.6(APC):c.35A>G (p.Gln12Arg)

Gene: APC (APC regulator of Wnt signaling pathway; plus strand). Cytogenetic location: 5q22.2.
Variant type: single nucleotide variant.
Coding change: c.35A>G on transcript NM_000038.6 (MANE Select); coding-DNA position 35, A replaced by G.
Protein change: p.Gln12Arg; replaces glutamine 12 with arginine.
Molecular consequence: missense variant. On other transcripts: 5 prime UTR variant (1), intron variant (8).
Genome position (GRCh38, 1-based): chr5:112,754,925, A>G. VCF-style: chr5-112754925-A-G. GRCh37 (hg19) VCF-style: chr5-112090622-A-G.
Other names: c.35A>G, p.Gln12Arg (NM_001127510.3, NM_001354895.2, NM_001354896.2 and 2 more transcripts); c.-1001A>G (NM_001354906.2); c.166-11401A>G (NM_001354897.2, NM_001354902.2, NM_001127511.3); c.61-11401A>G (NM_001354898.2, NM_001354904.2); c.-42-11401A>G (NM_001354900.2, NM_001354901.2, NM_001354905.2); short protein forms Q12R.
Identifiers: ClinVar variation 939015 (VCV000939015.11), dbSNP rs1754783765, ClinGen allele CA16021415.